The following is an entry in ClinVar:

NM_024675.4(PALB2):c.2024T>G (p.Leu675Arg)

Gene: PALB2 (partner and localizer of BRCA2; minus strand). Cytogenetic location: 16p12.2.
Variant type: single nucleotide variant.
Coding change: c.2024T>G on transcript NM_024675.4 (MANE Select); coding-DNA position 2024, T replaced by G.
Protein change: p.Leu675Arg; replaces leucine 675 with arginine.
Molecular consequence: missense variant. On other transcripts: intron variant (1).
Genome position (GRCh38, 1-based): chr16:23,630,130, A>C on the plus strand (T>G on the coding strand, the complement: PALB2 is on the minus strand). VCF-style: chr16-23630130-A-C. GRCh37 (hg19) VCF-style: chr16-23641451-A-C.
Other names: c.1964T>G, p.Leu655Arg (NM_001407296.1); c.2024T>G, p.Leu675Arg (NM_001407297.1, NM_001407298.1, NM_001407299.1 and 3 more transcripts); c.1139T>G, p.Leu380Arg (NM_001407310.1, NM_001407311.1, NM_001407304.1 and 5 more transcripts); c.236T>G, p.Leu79Arg (NM_001407312.1, NM_001407313.1); c.49-855T>G (NM_001407314.1); short protein forms L380R, L655R, L675R, L79R.
Identifiers: ClinVar variation 4861480 (VCV004861480.1).
Genomic context (GRCh38, chr16:23,630,130, plus strand): 5'-TTTGTATGCTGGCTTTGCGAGTTTGGCCTTTTGGGATGTGATTTTCCTGGTAGAACAATA[A>C]GGTCCTCTTCTAAGTCCTCCATTTCTGTATCCATGCGTTTAGGACTCAGTTCCTCTGGAA-3'
Protein context (NP_078951.2, residues 665-685): DTEMEDLEED[Leu675Arg]IVLPGKSHPK

ClinVar aggregate classification (germline): Uncertain significance (1 of 4 stars; one submission).

Conditions:
Hereditary cancer-predisposing syndrome. Also called: Neoplastic Syndromes, Hereditary; Tumor predisposition; Hereditary Cancer Syndrome; Hereditary neoplastic syndrome. Identifiers: Orphanet 140162, MedGen C0027672, MeSH D009386, MONDO:0015356.

Submission:

Ambry Genetics
Classification: Uncertain significance for Hereditary cancer-predisposing syndrome. Last evaluated: 2026-04-03. Review status: criteria provided, single submitter. Criteria: Ambry Variant Classification Scheme 2023. Collection method: clinical testing. Allele origin: germline.
Comment: The p.L675R variant (also known as c.2024T>G), located in coding exon 5 of the PALB2 gene, results from a T to G substitution at nucleotide position 2024. The leucine at codon 675 is replaced by arginine, an amino acid with dissimilar properties. This amino acid position is conserved. In addition, this alteration is predicted to be tolerated by in silico analysis. Based on the available evidence, the clinical significance of this variant remains unclear.